The following is an entry in ClinVar:

NM_206937.2(LIG4):c.1932A>C (p.Leu644Phe)

Gene: LIG4 (DNA ligase 4; minus strand). Cytogenetic location: 13q33.3.
Variant type: single nucleotide variant.
Coding change: c.1932A>C on transcript NM_206937.2 (MANE Select); coding-DNA position 1932, A replaced by C.
Protein change: p.Leu644Phe; replaces leucine 644 with phenylalanine.
Molecular consequence: missense variant.
Genome position (GRCh38, 1-based): chr13:108,209,337, T>G on the plus strand (A>C on the coding strand, the complement: LIG4 is on the minus strand). VCF-style: chr13-108209337-T-G. GRCh37 (hg19) VCF-style: chr13-108861685-T-G.
Other names: c.1932A>C, p.Leu644Phe (NM_001098268.2, NM_001352598.2, NM_001352599.2 and 6 more transcripts); c.1731A>C, p.Leu577Phe (NM_001330595.2); c.1968A>C, p.Leu656Phe (NM_001352604.2); short protein forms L644F, L656F, L577F.
Identifiers: ClinVar variation 1423109 (VCV001423109.8), dbSNP rs2138970296, ClinGen allele CA388615255.
Genomic context (GRCh38, chr13:108,209,337, plus strand): 5'-AAACTCTACATCTTCAAATATATTAGAAATTTTGTTAACGTTAGTAAGGTTAGGTGCTTT[T>G]AAGTGCTCAATAATTCCAATAACTTTCTTCATCTTTGGGGCAGCTTTCCGCTTTTTTTCT-3'
Protein context (NP_996820.1, residues 634-654): MKKVIGIIEH[Leu644Phe]KAPNLTNVNK

ClinVar aggregate classification (germline): Uncertain significance (1 of 4 stars; one submission).

Conditions:
DNA ligase IV deficiency. Identifiers: Orphanet 99812, MedGen C1847827, MONDO:0011686, OMIM 606593.

Allele frequency attached by ClinVar (database versions not stated): gnomAD exomes below 0.00001.
gnomAD v4.1: 1 of 1,614,162 alleles (0.000062%); highest among the groups gnomAD compares: Non-Finnish European, 0.000085%; no homozygotes.

Submission:

Labcorp Genetics (formerly Invitae), Labcorp
Classification: Uncertain significance for DNA ligase IV deficiency. Last evaluated: 2022-01-27. Review status: criteria provided, single submitter. Criteria: Invitae Variant Classification Sherloc (09022015). Collection method: clinical testing. Allele origin: germline.
Comment: This sequence change replaces leucine, which is neutral and non-polar, with phenylalanine, which is neutral and non-polar, at codon 644 of the LIG4 protein (p.Leu644Phe). This variant is not present in population databases (gnomAD no frequency). This variant has not been reported in the literature in individuals affected with LIG4-related conditions. Algorithms developed to predict the effect of missense changes on protein structure and function output the following: SIFT: "Tolerated"; PolyPhen-2: "Benign"; Align-GVGD: "Class C0". The phenylalanine amino acid residue is found in multiple mammalian species, which suggests that this missense change does not adversely affect protein function. In summary, the available evidence is currently insufficient to determine the role of this variant in disease. Therefore, it has been classified as a Variant of Uncertain Significance.